The following is an entry in ClinVar:

ClinVar aggregate classification (germline): Uncertain significance (1 of 4 stars; one submission).

Conditions:
Hereditary cancer-predisposing syndrome. Also called: Neoplastic Syndromes, Hereditary; Tumor predisposition; Hereditary neoplastic syndrome; Hereditary Cancer Syndrome. Identifiers: Orphanet 140162, MedGen C0027672, MeSH D009386, MONDO:0015356.

Submission:

Ambry Genetics
Classification: Uncertain significance for Hereditary cancer-predisposing syndrome. Last evaluated: 2023-02-21. Review status: criteria provided, single submitter. Criteria: Ambry Variant Classification Scheme 2023. Collection method: clinical testing. Allele origin: germline.
Comment: The p.N212S variant (also known as c.635A>G), located in coding exon 4 of the MSH3 gene, results from an A to G substitution at nucleotide position 635. The asparagine at codon 212 is replaced by serine, an amino acid with highly similar properties. This amino acid position is conserved. In addition, this alteration is predicted to be tolerated by in silico analysis. Since supporting evidence is limited at this time, the clinical significance of this alteration remains unclear.

NM_002439.5(MSH3):c.635A>G (p.Asn212Ser)

Gene: MSH3 (mutS homolog 3; plus strand). Cytogenetic location: 5q14.1.
Variant type: single nucleotide variant.
Coding change: c.635A>G on transcript NM_002439.5 (MANE Select); coding-DNA position 635, A replaced by G.
Protein change: p.Asn212Ser; replaces asparagine 212 with serine.
Molecular consequence: missense variant.
Genome position (GRCh38, 1-based): chr5:80,670,152, A>G. VCF-style: chr5-80670152-A-G. GRCh37 (hg19) VCF-style: chr5-79965971-A-G.
Other names: short protein forms N212S.
Identifiers: ClinVar variation 2451082 (VCV002451082.2), dbSNP rs2546721083, ClinGen allele CA360266512.